The following is an entry in ClinVar:

ClinVar aggregate classification (germline): Uncertain significance. Review status: reviewed by expert panel (3 of 4 stars). 5 submissions from 5 submitters: Uncertain significance (1). 4 of the submissions do not count toward it. Last evaluated 2023-05-23.

Conditions:
Mitochondrial disease. Also called: Mitochondrial disorder; Mitochondrial disorders. Identifiers: Orphanet 68380, MedGen C0751651, MeSH D028361, MONDO:0044970.
MELAS syndrome (MELAS). Also called: Juvenile myopathy, encephalopathy, lactic acidosis, stroke. Identifiers: Orphanet 550, MedGen C0162671, MONDO:0010789, OMIM 540000.
Leber optic atrophy (LHON). Also called: Leber hereditary optic neuropathy; Leber's disease; Leber's optic atrophy; Optic Atrophy, Hereditary, Leber. Identifiers: Orphanet 104, MedGen C0917796, MONDO:0010788, OMIM 535000, HP:0001112.

Submissions (5):

ClinGen Mitochondrial Disease Nuclear and Mitochondrial  Variant Curation Expert Panel, ClinGen
Classification: Uncertain significance for Mitochondrial disease. Last evaluated: 2023-05-23. Review status: reviewed by expert panel. Criteria: McCormick et al. (Hum Mutat. 2020). Collection method: curation. Allele origin: germline. Inheritance: Mitochondrial inheritance.
Comment: The m.13051G>A (p.G239S) variant in MT-ND5 has been reported in thirteen individuals with primary mitochondrial disease from four kindreds (PS4_moderate; PMIDs: 12736867, 27164671). Age of onset varied from age 18 months to the 40s, and clinical features were consistent with Leber Hereditary Optic Neuropathy (LHON) and Leigh syndrome spectrum disorders, in addition to hearing loss, optic atrophy, retinal dystrophy, ophthalmoplegia, and seizures. Several individuals had elevated lactate levels. The variant was present at or near homoplasmy in all reported individuals, thus precluding consideration for segregation evidence. There are no reports of confirmed de novo occurrences to our knowledge. This variant is absent in the GenBank dataset and gnomAD v3.1.2, however there were three heteroplasmic occurrences in the Helix dataset (PM2_supporting). The computational predictor APOGEE gives a consensus rating of pathogenic with a score of 0.71 (Min=0, Max=1), which predicts a damaging effect on gene function (PP3). Comprehensive analysis in patient cells showed increased reactive oxygen species and increased mitophagy (PS3_supporting). In summary, this variant meets criteria to be classified as uncertain significance for primary mitochondrial disease inherited in a mitochondrial manner, although this Expert Panel notes this is a very compelling variant of uncertain significance. This classification was approved by the NICHD/NINDS U24 ClinGen Mitochondrial Disease Variant Curation Expert Panel on May 23, 2023. Mitochondrial DNA-specific ACMG/AMP criteria applied (PMID: 32906214): PS4_moderate, PM2_supporting, PP3, PS3_supporting.

3billion
Classification: Likely pathogenic for MELAS syndrome. Last evaluated: 2025-02-11. Review status: criteria provided, single submitter. Criteria: ACMG Guidelines, 2015. Collection method: clinical testing. Allele origin: germline. Affected: yes. Not counted in ClinVar's aggregate classification.
Comment: The variant is not observed in the gnomAD v4.1.0 dataset. Predicted Consequence/Location: Mitochondrial variant The same nucleotide change resulting in the same amino acid change has been previously reported as pathogenic/likely pathogenic with strong evidence (ClinVar ID: VCV000430689). Therefore, this variant is classified as Likely pathogenic according to the recommendation of ACMG/AMP guideline.

Mendelics
Classification: Pathogenic for Leber optic atrophy. Last evaluated: 2022-05-04. Review status: criteria provided, single submitter. Criteria: Mendelics Assertion Criteria 2019. Collection method: clinical testing. Allele origin: germline. Not counted in ClinVar's aggregate classification.

Wong Mito Lab, Molecular and Human Genetics, Baylor College of Medicine
Classification: Likely pathogenic for Leber optic atrophy. Last evaluated: 2019-10-17. Review status: criteria provided, single submitter. Criteria: Modified ACMG Guidelines (Unpublished). Collection method: clinical testing. Allele origin: germline. Not counted in ClinVar's aggregate classification.
Comment: The NC_012920.1:m.13051G>A (YP_003024036.1:p.Gly239Ser) variant in MTND5 gene is interpretated to be a Likely Pathogenic variant based on the modified ACMG guidelines (unpublished). This variant meets the following evidence codes: PM9, PM10, PP4,PP7

Mitochondrial Research Group, Newcastle University
Classification: Pathogenic for Mitochondrial disease. Last evaluated: 2017-05-22. Review status: no assertion criteria provided. Collection method: clinical testing. Allele origin: germline. Affected: yes. Observed: 1 variant allele. Not counted in ClinVar's aggregate classification.

Literature cited by the submitters: PubMed 12736867 (cited by Wong Mito Lab, Molecular and Human Genetics, Baylor College of Medicine); PubMed 27164671 (cited by Wong Mito Lab, Molecular and Human Genetics, Baylor College of Medicine).

NC_012920.1(MT-ND5):m.13051G>A

Gene: MT-ND5 (mitochondrially encoded NADH dehydrogenase 5; plus strand).
Variant type: single nucleotide variant.
Genome position: chrM-13051-G-A.
Identifiers: ClinVar variation 430689 (VCV000430689.6), dbSNP rs1131692063, ClinGen allele CA414816093.